The following is an entry in ClinVar:

ClinVar aggregate classification (germline): Likely pathogenic (1 of 4 stars; one submission).

Conditions:
Nephronophthisis. Also called: Juvenile Nephronophthisis. Identifiers: Orphanet 655, MedGen C0687120, MONDO:0019005, HP:0000090.

Submission:

Labcorp Genetics (formerly Invitae), Labcorp
Classification: Likely pathogenic for Nephronophthisis. Last evaluated: 2026-01-19. Review status: criteria provided, single submitter. Criteria: Invitae Variant Classification Sherloc (09022015). Collection method: clinical testing. Allele origin: germline.
Comment: This variant results in the deletion of part of exon 11 (c.1742_1743+5del) of the NPHP3 gene. It is expected to disrupt RNA splicing. Variants that disrupt the donor or acceptor splice site typically lead to a loss of protein function (PMID: 16199547), and loss-of-function variants in NPHP3 are known to be pathogenic (PMID: 18371931, 23559409). This variant is not present in population databases (gnomAD no frequency). This variant has not been reported in the literature in individuals affected with NPHP3-related conditions. In summary, the currently available evidence indicates that the variant is pathogenic, but additional data are needed to prove that conclusively. Therefore, this variant has been classified as Likely Pathogenic.

Literature cited by the submitters: PubMed 16199547; PubMed 18371931; PubMed 23559409.

NM_153240.5(NPHP3):c.1742_1743+5del

Genes: NPHP3 (nephrocystin 3; minus strand), NPHP3-ACAD11 (NPHP3-ACAD11 readthrough (NMD candidate); minus strand). Cytogenetic location: 3q22.1.
Variant type: Deletion.
Coding change: c.1742_1743+5del on transcript NM_153240.5 (MANE Select); coding-DNA position 1742 through 5 bases into the intron after coding-DNA position 1743, 7 bases deleted (AGGTATA; older notation c.1742_1743+5delAGGTATA).
Molecular consequence: splice donor variant.
Genome position (GRCh38, 1-based): chr3:132,700,329-132,700,335, TATACCT deleted on the plus strand (AGGTATA on the coding strand, the reverse complement: NPHP3 is on the minus strand); deleting any 7 consecutive bases within chr3:132,700,329-132,700,336 gives the same sequence; the c. name uses the placement nearest the transcript's 3' end. VCF-style (leftmost placement, unchanged base first): chr3-132700328-CTATACCT-C. GRCh37 (hg19) VCF-style: chr3-132419172-CTATACCT-C.
Identifiers: ClinVar variation 4735715 (VCV004735715.1).